The following is an entry in ClinVar:

NC_000020.10:g.(?_3211989)_(3212849_?)del

Gene: SLC4A11 (solute carrier family 4 member 11; minus strand). Cytogenetic location: 20p13.
Variant type: Deletion.
Identifiers: ClinVar variation 3248353 (VCV003248353.1).

ClinVar aggregate classification (germline): Likely pathogenic (1 of 4 stars; one submission).

Submission:

Labcorp Genetics (formerly Invitae), Labcorp
Classification: Likely pathogenic. Last evaluated: 2019-07-06. Review status: criteria provided, single submitter. Criteria: Invitae Variant Classification Sherloc (09022015). Collection method: clinical testing. Allele origin: unknown.
Comment: In summary, the currently available evidence indicates that the variant is pathogenic, but additional data are needed to prove that conclusively. Therefore, this variant has been classified as Likely Pathogenic. Loss-of-function variants in SLC4A11 are known to be pathogenic (PMID: 17220209, 17679935). This variant has not been reported in the literature in individuals with SLC4A11-related conditions. This variant is a deletion of the genomic region encompassing part of exon 7 (c.778-655_983del) of the SLC4A11 gene. It is expected to disrupt RNA splicing and likely results in an absent or disrupted protein product.

Literature cited by the submitters: PubMed 17220209; PubMed 17679935.